The following is an entry in ClinVar:

ClinVar aggregate classification (germline): Uncertain significance. Review status: criteria provided, multiple submitters, no conflicts (2 of 4 stars). 2 submissions from 2 submitters: Uncertain significance (2). Last evaluated 2023-03-29.

Conditions:
Inborn genetic diseases. Identifiers: MedGen C0950123, MeSH D030342.

Allele frequency attached by ClinVar (database versions not stated): ExAC 0.00002; gnomAD 0.00002.
gnomAD v4.1: 24 of 1,613,880 alleles (0.0015%); highest among the groups gnomAD compares: Middle Eastern, 0.016%; no homozygotes.

Submissions (2):

Ambry Genetics
Classification: Uncertain significance for Inborn genetic diseases. Last evaluated: 2023-03-29. Review status: criteria provided, single submitter. Criteria: Ambry Variant Classification Scheme 2023. Collection method: clinical testing. Allele origin: germline.

Labcorp Genetics (formerly Invitae), Labcorp
Classification: Uncertain significance. Last evaluated: 2022-09-13. Review status: criteria provided, single submitter. Criteria: Invitae Variant Classification Sherloc (09022015). Collection method: clinical testing. Allele origin: germline.
Comment: This variant is present in population databases (rs769402488, gnomAD 0.01%). This sequence change replaces alanine, which is neutral and non-polar, with threonine, which is neutral and polar, at codon 1391 of the FLNB protein (p.Ala1391Thr). This variant has not been reported in the literature in individuals affected with FLNB-related conditions. Advanced modeling of protein sequence and biophysical properties (such as structural, functional, and spatial information, amino acid conservation, physicochemical variation, residue mobility, and thermodynamic stability) performed at Invitae indicates that this missense variant is not expected to disrupt FLNB protein function. In summary, the available evidence is currently insufficient to determine the role of this variant in disease. Therefore, it has been classified as a Variant of Uncertain Significance.

NM_001457.4(FLNB):c.4171G>A (p.Ala1391Thr)

Gene: FLNB (filamin B; plus strand). Cytogenetic location: 3p14.3.
Variant type: single nucleotide variant.
Coding change: c.4171G>A on transcript NM_001457.4 (MANE Select); coding-DNA position 4171, G replaced by A.
Protein change: p.Ala1391Thr; replaces alanine 1391 with threonine.
Molecular consequence: missense variant.
Genome position (GRCh38, 1-based): chr3:58,126,711, G>A. VCF-style: chr3-58126711-G-A. GRCh37 (hg19) VCF-style: chr3-58112438-G-A.
Other names: c.4171G>A (NM_001457.3); c.4171G>A, p.Ala1391Thr (NM_001164317.2, NM_001164318.2, NM_001164319.2); short protein forms A1391T.
Identifiers: ClinVar variation 1918698 (VCV001918698.7), dbSNP rs769402488, ClinGen allele CA2468669.
Genomic context (GRCh38, chr3:58,126,711, plus strand): 5'-TCGAAGATAAATTGCAGAGACAACAAGGATGGCAGCTGCAGTGCTGAGTACATTCCTTTC[G>A]CACCGGGGGATTACGATGTTAATATCACATATGGAGGAGCCCACATCCCCGGTGAGCTAT-3'
Protein context (NP_001448.2, residues 1381-1401): GSCSAEYIPF[Ala1391Thr]PGDYDVNITY